The following is an entry in ClinVar:

ClinVar aggregate classification (germline): Uncertain significance (1 of 4 stars; one submission).

Conditions:
Leigh syndrome (NULS). Also called: Leigh's necrotizing encephalopathy; Leigh's disease; Leigh Syndrome (mtDNA deletion); Leigh Disease; Subacute necrotizing encephalopathy; Necrotizing encephalopathy infantile subacute of Leigh. Identifiers: Orphanet 506, MedGen C2931891, MONDO:0009723, OMIM 256000.

Submission:

Wong Mito Lab, Molecular and Human Genetics, Baylor College of Medicine
Classification: Uncertain significance for Leigh syndrome. Last evaluated: 2019-10-17. Review status: criteria provided, single submitter. Criteria: Modified ACMG Guidelines (Unpublished). Collection method: clinical testing. Allele origin: germline.
Comment: The NC_012920.1:m.11246G>A (YP_003024035.1:p.Ala163Thr) variant in MTND4 gene is interpretated to be a Uncertain Significance variant based on the modified ACMG guidelines (unpublished). This variant meets the following evidence codes: PP6, PP7, BP4

NC_012920.1(MT-ND4):m.11246G>A

Gene: MT-ND4 (mitochondrially encoded NADH dehydrogenase 4; plus strand).
Variant type: single nucleotide variant.
Genome position: chrM-11246-G-A.
Identifiers: ClinVar variation 693355 (VCV000693355.1), dbSNP rs1603223192, ClinGen allele CA414809772.